The following is an entry in ClinVar:

ClinVar aggregate classification (germline): Benign. Review status: criteria provided, multiple submitters, no conflicts (2 of 4 stars). 2 submissions from 2 submitters: Benign (2). Last evaluated 2018-01-13.

Conditions:
Occult macular dystrophy (OCMD). Also called: OMD; OCCULT MACULAR DYSTROPHY, SUSCEPTIBILITY TO. Identifiers: Orphanet 247834, MedGen C3150833, MONDO:0013316, OMIM 613587, HP:0030636.

Allele frequency attached by ClinVar (database versions not stated): 1000 Genomes Project 30x 0.02873; 1000 Genomes Project 0.03015; TOPMed 0.03436; gnomAD exomes 0.03452; ExAC 0.03512; gnomAD 0.03567 and 0.03578; ESP Exome Variant Server 0.03747.

Submissions (2):

Illumina Laboratory Services, Illumina
Classification: Benign for Occult macular dystrophy. Last evaluated: 2018-01-13. Review status: criteria provided, single submitter. Criteria: ICSL Variant Classification Criteria 13 December 2019. Collection method: clinical testing. Allele origin: germline.
Comment: This variant was observed in the ICSL laboratory as part of a predisposition screen in an ostensibly healthy population. It had not been previously curated by ICSL or reported in the Human Gene Mutation Database (HGMD: prior to June 1st, 2018), and was therefore a candidate for classification through an automated scoring system. Utilizing variant allele frequency, disease prevalence and penetrance estimates, and inheritance mode, an automated score was calculated to assess if this variant is too frequent to cause the disease. Based on the score and internal cut-off values, a variant classified as benign is not then subjected to further curation. The score for this variant resulted in a classification of benign for this disease.

Breakthrough Genomics
Classification: Benign. Review status: criteria provided, single submitter. Criteria: ACMG Guidelines, 2015. Collection method: not provided. Allele origin: germline. Inheritance: Autosomal recessive inheritance. Affected: yes.

NM_178857.6(RP1L1):c.5447G>A (p.Gly1816Asp)

Gene: RP1L1 (RP1 like 1). Cytogenetic location: 8p23.1.
Variant type: single nucleotide variant.
Coding change: c.5447G>A on transcript NM_178857.6 (MANE Select); coding-DNA position 5447, G replaced by A.
Protein change: p.Gly1816Asp; replaces glycine 1816 with aspartic acid.
Molecular consequence: missense variant.
Genome position (GRCh38, 1-based): chr8:10,608,651, C>T on the plus strand (G>A on the coding strand, the complement: RP1L1 is on the minus strand). VCF-style: chr8-10608651-C-T. GRCh37 (hg19) VCF-style: chr8-10466161-C-T.
Other names: short protein forms G1816D.
Identifiers: ClinVar variation 361252 (VCV000361252.6), dbSNP rs79019225, ClinGen allele CA4623647.
Genomic context (GRCh38, chr8:10,608,651, plus strand): 5'-TCTATGCCTTCGGCCCCATCACTCTGTCCTGGATCTTGGTCACCTCCTGCCGCAGCTTCA[C>T]CCTGCAAGTTGTCCTCATGCCCAGAGCCTTGACCCCCAGTTTCTCCCCTTTCACTTATGC-3'
Protein context (NP_849188.4, residues 1806-1826): QGSGHEDNLQ[Gly1816Asp]EAAAGGDQDP